The following is an entry in ClinVar:

ClinVar aggregate classification (germline): Likely benign. Review status: criteria provided, multiple submitters, no conflicts (2 of 4 stars). 3 submissions from 3 submitters: Likely benign (2). 1 of the submissions does not count toward it. Last evaluated 2025-09-22.

Conditions:
TUB-related disorder. Also called: TUB-related condition.

Allele frequency attached by ClinVar (database versions not stated): gnomAD exomes below 0.00001 and 0.00002.
gnomAD v4.1: 10 of 1,614,178 alleles (0.00062%); highest among the groups gnomAD compares: Admixed American, 0.0017%; no homozygotes.

Submissions (3):

Labcorp Genetics (formerly Invitae), Labcorp
Classification: Likely benign. Last evaluated: 2025-09-22. Review status: criteria provided, single submitter. Criteria: Invitae Variant Classification Sherloc (09022015). Collection method: clinical testing. Allele origin: germline.

Blueprint Genetics
Classification: Likely benign. Last evaluated: 2022-09-02. Review status: criteria provided, single submitter. Criteria: ACMG Guidelines, 2015. Collection method: clinical testing. Allele origin: germline.

PreventionGenetics, part of Exact Sciences
Classification: Likely benign for TUB-related condition. Last evaluated: 2024-06-19. Review status: no assertion criteria provided. Collection method: clinical testing. Allele origin: germline. Not counted in ClinVar's aggregate classification.
Comment: This variant is classified as likely benign based on ACMG/AMP sequence variant interpretation guidelines (Richards et al. 2015 PMID: 25741868, with internal and published modifications).

NM_177972.3(TUB):c.1341C>A (p.Val447=)

Genes: RIC3 (RIC3 acetylcholine receptor chaperone; minus strand), TUB (TUB bipartite transcription factor; plus strand). Cytogenetic location: 11p15.4.
Variant type: single nucleotide variant.
Coding change: c.1341C>A on transcript NM_177972.3 (MANE Select); coding-DNA position 1341, C replaced by A.
Protein change: p.Val447=; no amino-acid change (valine 447 retained).
Molecular consequence: synonymous variant.
Genome position (GRCh38, 1-based): chr11:8,100,951, C>A. VCF-style: chr11-8100951-C-A. GRCh37 (hg19) VCF-style: chr11-8122498-C-A.
Other names: c.1506C>A, p.Val502= (NM_003320.5).
Identifiers: ClinVar variation 748021 (VCV000748021.10), dbSNP rs935095797, ClinGen allele CA473252560.
Genomic context (GRCh38, chr11:8,100,951, plus strand): 5'-CAAGACACCTGTCTGGAATGATGACACACAGTCCTATGTACTCAACTTCCATGGGCGCGT[C>A]ACACAGGCCTCCGTGAAGAACTTCCAGATCATCCATGGCAATGACCGTGAGTGTTTCTGT-3'
Protein context (NP_813977.1, residues 437-457): QSYVLNFHGR[Val447=]TQASVKNFQI